The following is an entry in ClinVar:

ClinVar aggregate classification (germline): Uncertain significance (1 of 4 stars; one submission).

Submission:

Labcorp Genetics (formerly Invitae), Labcorp
Classification: Uncertain significance. Last evaluated: 2022-04-29. Review status: criteria provided, single submitter. Criteria: Invitae Variant Classification Sherloc (09022015). Collection method: clinical testing. Allele origin: germline.
Comment: This sequence change replaces aspartic acid, which is acidic and polar, with glycine, which is neutral and non-polar, at codon 367 of the CYP4V2 protein (p.Asp367Gly). This variant is not present in population databases (gnomAD no frequency). This variant has not been reported in the literature in individuals affected with CYP4V2-related conditions. Algorithms developed to predict the effect of missense changes on protein structure and function are either unavailable or do not agree on the potential impact of this missense change (SIFT: "Deleterious"; PolyPhen-2: "Benign"; Align-GVGD: "Class C0"). In summary, the available evidence is currently insufficient to determine the role of this variant in disease. Therefore, it has been classified as a Variant of Uncertain Significance.

NM_207352.4(CYP4V2):c.1100A>G (p.Asp367Gly)

Gene: CYP4V2 (cytochrome P450 family 4 subfamily V member 2; plus strand). Cytogenetic location: 4q35.2.
Variant type: single nucleotide variant.
Coding change: c.1100A>G on transcript NM_207352.4 (MANE Select); coding-DNA position 1100, A replaced by G.
Protein change: p.Asp367Gly; replaces aspartic acid 367 with glycine.
Molecular consequence: missense variant.
Genome position (GRCh38, 1-based): chr4:186,208,874, A>G. VCF-style: chr4-186208874-A-G. GRCh37 (hg19) VCF-style: chr4-187130028-A-G.
Other names: short protein forms D367G.
Identifiers: ClinVar variation 2131760 (VCV002131760.2), dbSNP rs2478944738, ClinGen allele CA358949893.